The following is an entry in ClinVar:

ClinVar aggregate classification (germline): Conflicting classifications of pathogenicity. Review status: criteria provided, conflicting classifications (1 of 4 stars). 10 submissions from 10 submitters: Uncertain significance (6); Benign (1); Likely benign (2). 1 of the submissions does not count toward it. Last evaluated 2026-01-20.

Conditions:
BARD1-related cancer predisposition. Identifiers: MedGen CN377756, MONDO:0700267.
Hereditary cancer-predisposing syndrome. Also called: Tumor predisposition; Neoplastic Syndromes, Hereditary; Hereditary neoplastic syndrome; Hereditary Cancer Syndrome. Identifiers: Orphanet 140162, MedGen C0027672, MeSH D009386, MONDO:0015356.
Familial cancer of breast. Also called: BREAST CANCER, FAMILIAL; hereditary breast carcinoma; Hereditary breast cancer. Identifiers: Orphanet 227535, MedGen C0346153, MONDO:0016419, OMIM 114480. Disease mechanism: loss of function.

Allele frequency attached by ClinVar (database versions not stated): ExAC 0.00002; gnomAD exomes 0.00002; TOPMed 0.00002; gnomAD 0.00004 and 0.00005; 1000 Genomes Project 0.00040; 1000 Genomes Project 30x 0.00047.
gnomAD v4.1: 43 of 1,607,202 alleles (0.0027%); highest among the groups gnomAD compares: Admixed American, 0.015%; no homozygotes.

Submissions (10):

Women's Health and Genetics/Laboratory Corporation of America, LabCorp
Classification: Uncertain significance. Last evaluated: 2026-01-20. Review status: criteria provided, single submitter. Criteria: LabCorp Variant Classification Summary - May 2015. Collection method: clinical testing. Allele origin: germline.
Comment: Variant summary: BARD1 c.581G>A (p.Arg194Lys) results in a conservative amino acid change in the encoded protein sequence. Algorithms developed to predict the effect of missense changes on protein structure and function all suggest that this variant is likely to be tolerated. The variant allele was found at a frequency of 2e-05 in 251682 control chromosomes. The available data on variant occurrences in the general population are insufficient to allow any conclusion about variant significance. c.581G>A has been observed in individuals affected with Breast Cancer without strong evidence for causality (Toh_2019, Tung_2016) and in unaffected controls (Dorling_2021). These reports do not provide unequivocal conclusions about association of the variant with Breast Cancer. At least one publication reports experimental evidence evaluating an impact on protein function (Adamovich_2019). These results showed no damaging effect of this variant in an in vitro homology-directed repair (HDR) assays. The following publications have been ascertained in the context of this evaluation (PMID: 30925164, 33471991, 26315354, 31371347, 26976419). ClinVar contains an entry for this variant (Variation ID: 142942). Based on the evidence outlined above, the variant was classified as VUS-possibly benign.

Labcorp Genetics (formerly Invitae), Labcorp
Classification: Uncertain significance for Familial cancer of breast. Last evaluated: 2025-12-23. Review status: criteria provided, single submitter. Criteria: Invitae Variant Classification Sherloc (09022015). Collection method: clinical testing. Allele origin: germline.
Comment: This sequence change replaces arginine, which is basic and polar, with lysine, which is basic and polar, at codon 194 of the BARD1 protein (p.Arg194Lys). This variant is present in population databases (rs181748854, gnomAD 0.004%). This missense change has been observed in individual(s) with breast cancer (PMID: 26976419, 31371347). ClinVar contains an entry for this variant (Variation ID: 142942). An algorithm developed to predict the effect of missense changes on protein structure and function outputs the following: PolyPhen-2: "Benign". The lysine amino acid residue is found in multiple mammalian species, which suggests that this missense change does not adversely affect protein function. Experimental studies have shown that this missense change does not substantially affect BARD1 function (PMID: 30925164). In summary, the available evidence is currently insufficient to determine the role of this variant in disease. Therefore, it has been classified as a Variant of Uncertain Significance.

Molecular Pathology, Peter Maccallum Cancer Centre
Classification: Uncertain significance for BARD1-related cancer predisposition. Last evaluated: 2025-01-10. Review status: criteria provided, single submitter. Criteria: ACMG Guidelines, 2015. Collection method: clinical testing. Allele origin: germline. Inheritance: Autosomal dominant inheritance.

Color Diagnostics, LLC DBA Color Health
Classification: Likely benign for Hereditary cancer-predisposing syndrome. Last evaluated: 2024-09-19. Review status: criteria provided, single submitter. Criteria: ACMG Guidelines, 2015. Collection method: clinical testing. Allele origin: germline.

Myriad Genetics, Inc.
Classification: Likely benign for Familial cancer of breast. Last evaluated: 2024-07-22. Review status: criteria provided, single submitter. Criteria: Myriad Autosomal Dominant, Autosomal Recessive and X-Linked Classification Criteria (2023). Collection method: clinical testing. Allele origin: unknown.
Comment: This variant is considered likely benign. This variant is strongly associated with less severe personal and family histories of cancer, typical for individuals without pathogenic variants in this gene [PMID: 25085752].

GeneDx
Classification: Uncertain significance. Last evaluated: 2024-07-12. Review status: criteria provided, single submitter. Criteria: GeneDx Variant Classification Process June 2021. Collection method: clinical testing. Allele origin: germline. Affected: yes.
Comment: In silico analysis indicates that this missense variant does not alter protein structure/function; Published functional studies demonstrate activity similar to wild type in a homologous directed repair (HDR) assay (PMID: 30925164); This variant is associated with the following publications: (PMID: 26315354, 26976419, 31371347, 33471991, 30925164)

Quest Diagnostics Nichols Institute San Juan Capistrano
Classification: Uncertain significance. Last evaluated: 2023-12-13. Review status: criteria provided, single submitter. Criteria: Quest Diagnostics criteria. Collection method: clinical testing. Allele origin: unknown.
Comment: The BARD1 c.581G>A (p.Arg194Lys) variant has been reported in the published literature in individuals with breast cancer (PMID: 31371347 (2019), 26976419 (2016)) as well as unaffected individuals (PMID: 33471991 (2021) see also LOVD, 26315354 (2015)). An experimental study reports the variant does not impact BARD1 homology directed repair (HDR) (PMID: 30925164 (2019)). The frequency of this variant in the general population, 0.000031 (4/127040 chromosomes (Genome Aggregation Database)), is uninformative in the assessment of its pathogenicity. Analysis of this variant using bioinformatics tools for the prediction of the effect of amino acid changes on protein structure and function yielded predictions that this variant is benign. Based on the available information, we are unable to determine the clinical significance of this variant.

Sema4
Classification: Uncertain significance for Hereditary cancer-predisposing syndrome. Last evaluated: 2021-05-31. Review status: criteria provided, single submitter. Criteria: Sema4 Curation Guidelines. Collection method: curation. Allele origin: germline.
Comment: The BARD1 c.581G>A (p.R194K) variant has been reported in heterozygosity in at least three individuals with breast cancer (PMID: 26976419, 30925164, 31371347) as well as healthy controls (PMID: 26315354, 33471991). An homology-repair study demonstrated the normal function of the protein (PMID: 30925164). This variant was observed in 6/276192 chromosomes in the Genome Aggregation Database (PMID: 32461654). This variant has been reported in ClinVar (Variation ID: 142942). In silico tools suggest the impact of the variant on protein function is inconclusive, though these predictions have not been confirmed by functional studies. The evidence is insufficient to meet ACMG/AMP criteria for classifying the variant as benign or pathogenic. Thus, the clinical significance of this variant is currently uncertain.

Ambry Genetics
Classification: Benign for Hereditary cancer-predisposing syndrome. Last evaluated: 2018-06-01. Review status: criteria provided, single submitter. Criteria: Ambry Variant Classification Scheme 2023. Collection method: clinical testing. Allele origin: germline.

Department of Pathology and Laboratory Medicine, Sinai Health System
Classification: Uncertain significance. Review status: no assertion criteria provided. Collection method: clinical testing. Allele origin: unknown. Affected: yes. Study: The Canadian Open Genetics Repository (COGR). Not counted in ClinVar's aggregate classification.
Comment: The BARD1 p.Arg194Lys variant was identified in 2 of 7838 proband chromosomes (frequency: 0.0003) from individuals or families with breast or ovarian cancer (Tung 2016, Ramus 2015). The variant was also identified in dbSNP (ID: rs181748854) as "With Uncertain significance allele", ClinVar (classified as likely benign by Ambry Genetics; as uncertain significance by Invitae and GeneDx). The variant was identified in control databases in 6 of 270676 chromosomes at a frequency of 0.000022 (Genome Aggregation Database Feb 27, 2017). The variant was observed in the following populations: Latino in 1 of 33390 chromosomes (freq: 0.00003), European in 5 of 124528 chromosomes (freq: 0.00004); it was not observed in the African, Other, Ashkenazi Jewish, East Asian, Finnish, and South Asian populations. The p.Arg194 residue is not conserved in mammals and computational analyses (PolyPhen-2, SIFT, AlignGVGD, BLOSUM, MutationTaster) do not suggest a high likelihood of impact to the protein; however, this information is not predictive enough to rule out pathogenicity. The variant occurs outside of the splicing consensus sequence and 1 of 4 in silico or computational prediction software programs (SpliceSiteFinder, MaxEntScan, NNSPLICE, GeneSplicer) predict a greater than 10% difference in splicing; this is not very predictive of pathogenicity. In summary, based on the above information the clinical significance of this variant cannot be determined with certainty at this time. This variant is classified as a variant of uncertain significance.

Literature cited by the submitters: PubMed 26315354 (cited by 3 submitters); PubMed 26976419 (cited by 4 submitters); PubMed 30925164 (cited by 4 submitters); PubMed 31371347 (cited by 4 submitters); PubMed 33471991 (cited by 3 submitters); PubMed 25085752 (cited by Myriad Genetics, Inc.).

NM_000465.4(BARD1):c.581G>A (p.Arg194Lys)

Gene: BARD1 (BRCA1 associated RING domain 1; minus strand). Cytogenetic location: 2q35.
Variant type: single nucleotide variant.
Coding change: c.581G>A on transcript NM_000465.4 (MANE Select); coding-DNA position 581, G replaced by A.
Protein change: p.Arg194Lys; replaces arginine 194 with lysine.
Molecular consequence: missense variant. On other transcripts: non-coding transcript variant (2), intron variant (3).
Genome position (GRCh38, 1-based): chr2:214,781,293, C>T on the plus strand (G>A on the coding strand, the complement: BARD1 is on the minus strand). VCF-style: chr2-214781293-C-T. GRCh37 (hg19) VCF-style: chr2-215646017-C-T.
Other names: c.524G>A, p.Arg175Lys (NM_001282543.2); c.158+28119G>A (NM_001282548.2); c.215+15768G>A (NM_001282545.2); c.364+11004G>A (NM_001282549.2); short protein forms R194K, R175K.
Identifiers: ClinVar variation 142942 (VCV000142942.30), dbSNP rs181748854, ClinGen allele CA169829.